The following is an entry in ClinVar:

NM_001243133.2(NLRP3):c.2236C>T (p.Leu746Phe)

Gene: NLRP3 (NLR family pyrin domain containing 3; plus strand). Cytogenetic location: 1q44.
Variant type: single nucleotide variant.
Coding change: c.2236C>T on transcript NM_001243133.2 (MANE Select); coding-DNA position 2236, C replaced by T.
Protein change: p.Leu746Phe; replaces leucine 746 with phenylalanine.
Molecular consequence: missense variant. On other transcripts: intron variant (2).
Genome position (GRCh38, 1-based): chr1:247,429,670, C>T. VCF-style: chr1-247429670-C-T. GRCh37 (hg19) VCF-style: chr1-247592972-C-T.
Other names: c.2236C>T, p.Leu746Phe (NM_001079821.3, NM_001127461.3); c.2242C>T, p.Leu748Phe (NM_004895.5); c.2150+4071C>T (NM_001127462.3, NM_183395.3); short protein forms L746F, L748F.
Identifiers: ClinVar variation 1914990 (VCV001914990.5), dbSNP rs2527320060, ClinGen allele CA345559226.

ClinVar aggregate classification (germline): Uncertain significance (1 of 4 stars; one submission).

Conditions:
Cryopyrin associated periodic syndrome (CAPS). Identifiers: Orphanet 208650, MedGen C2316212, MONDO:0016168.

Allele frequency attached by ClinVar (database versions not stated): gnomAD exomes below 0.00001.
gnomAD v4.1: 2 of 1,614,092 alleles (0.00012%); highest among the groups gnomAD compares: Non-Finnish European, 0.00017%; no homozygotes.

Submission:

Labcorp Genetics (formerly Invitae), Labcorp
Classification: Uncertain significance for Cryopyrin associated periodic syndrome. Last evaluated: 2024-07-02. Review status: criteria provided, single submitter. Criteria: Invitae Variant Classification Sherloc (09022015). Collection method: clinical testing. Allele origin: germline.
Comment: This sequence change replaces leucine, which is neutral and non-polar, with phenylalanine, which is neutral and non-polar, at codon 748 of the NLRP3 protein (p.Leu748Phe). This variant is not present in population databases (gnomAD no frequency). This variant has not been reported in the literature in individuals affected with NLRP3-related conditions. ClinVar contains an entry for this variant (Variation ID: 1914990). Advanced modeling of protein sequence and biophysical properties (such as structural, functional, and spatial information, amino acid conservation, physicochemical variation, residue mobility, and thermodynamic stability) has been performed at Invitae for this missense variant, however the output from this modeling did not meet the statistical confidence thresholds required to predict the impact of this variant on NLRP3 protein function. In summary, the available evidence is currently insufficient to determine the role of this variant in disease. Therefore, it has been classified as a Variant of Uncertain Significance.